The following is an entry in ClinVar:

ClinVar aggregate classification (germline): Conflicting classifications of pathogenicity. Review status: criteria provided, conflicting classifications (1 of 4 stars). 4 submissions from 4 submitters: Likely pathogenic (2); Uncertain significance (2). Last evaluated 2025-04-07.

Conditions:
Renal cysts and diabetes syndrome (RCAD). Also called: Familial hypoplastic, glomerulocystic kidney; MATURITY-ONSET DIABETES OF THE YOUNG, TYPE 5. Identifiers: Orphanet 93111, MedGen C0431693, MONDO:0007669, OMIM 137920.
HNF1B-related disorder. Also called: HNF1B-related condition; HNF1B-related disorders.

Submissions (4):

3billion
Classification: Likely pathogenic for Renal cysts and diabetes syndrome. Last evaluated: 2025-04-07. Review status: criteria provided, single submitter. Criteria: ACMG Guidelines, 2015. Collection method: clinical testing. Allele origin: germline. Affected: yes.

Labcorp Genetics (formerly Invitae), Labcorp
Classification: Uncertain significance. Last evaluated: 2023-09-09. Review status: criteria provided, single submitter. Criteria: Invitae Variant Classification Sherloc (09022015). Collection method: clinical testing. Allele origin: germline.
Comment: This sequence change replaces serine, which is neutral and polar, with phenylalanine, which is neutral and non-polar, at codon 151 of the HNF1B protein (p.Ser151Phe). This variant is not present in population databases (gnomAD no frequency). This variant has not been reported in the literature in individuals affected with HNF1B-related conditions. Advanced modeling of protein sequence and biophysical properties (such as structural, functional, and spatial information, amino acid conservation, physicochemical variation, residue mobility, and thermodynamic stability) has been performed at Invitae for this missense variant, however the output from this modeling did not meet the statistical confidence thresholds required to predict the impact of this variant on HNF1B protein function. In summary, the available evidence is currently insufficient to determine the role of this variant in disease. Therefore, it has been classified as a Variant of Uncertain Significance.

GeneDx
Classification: Uncertain significance. Last evaluated: 2023-08-04. Review status: criteria provided, single submitter. Criteria: GeneDx Variant Classification Process June 2021. Collection method: clinical testing. Allele origin: germline. Affected: yes.
Comment: Not observed at significant frequency in large population cohorts (gnomAD); In silico analysis supports that this missense variant has a deleterious effect on protein structure/function; Has not been previously published as pathogenic or benign to our knowledge; This variant is associated with the following publications: (PMID: 17924661)

Blueprint Genetics
Classification: Likely pathogenic for HNF1B-related disorders. Last evaluated: 2017-07-31. Review status: criteria provided, single submitter. Criteria: ACMG Guidelines, 2015. Collection method: clinical testing. Allele origin: germline. Affected: yes. Observed: 1 variant allele.

Literature cited by the submitters: PubMed 11918730 (cited by 3billion).

NM_000458.4(HNF1B):c.452C>T (p.Ser151Phe)

Gene: HNF1B (HNF1 homeobox B; minus strand). Cytogenetic location: 17q12.
Variant type: single nucleotide variant.
Coding change: c.452C>T on transcript NM_000458.4 (MANE Select); coding-DNA position 452, C replaced by T.
Protein change: p.Ser151Phe; replaces serine 151 with phenylalanine.
Molecular consequence: missense variant.
Genome position (GRCh38, 1-based): chr17:37,739,532, G>A on the plus strand (C>T on the coding strand, the complement: HNF1B is on the minus strand). VCF-style: chr17-37739532-G-A. GRCh37 (hg19) VCF-style: chr17-36099523-G-A.
Other names: c.452C>T, p.Ser151Phe (NM_001165923.4, NM_001304286.2, NM_001411100.1); c.452C>T (NM_000458.2); short protein forms S151F.
Identifiers: ClinVar variation 2759413 (VCV002759413.6), dbSNP rs2511829137, ClinGen allele CA398751396.
Genomic context (GRCh38, chr17:37,739,532, plus strand): 5'-CAGGTGTACAGAGCGGCACGCTTCTGGGTCTTCATAGGGGTGCCCTTGTTGAGATGCTGG[G>A]AGAGGTGCGACTGGTTCAGGCCGGTGACATCGACCACCTCCCTCTGGGGGATGTTGTGTT-3'
Protein context (NP_000449.1, residues 141-161): DVTGLNQSHL[Ser151Phe]QHLNKGTPMK